The following is an entry in ClinVar:

ClinVar aggregate classification (germline): Uncertain significance (1 of 4 stars; one submission).

Conditions:
Cardiovascular phenotype. Identifiers: MedGen CN230736.

Allele frequency attached by ClinVar (database versions not stated): gnomAD exomes below 0.00001; TOPMed 0.00002; gnomAD 0.00002.

Submission:

Ambry Genetics
Classification: Uncertain significance for Cardiovascular phenotype. Last evaluated: 2019-04-12. Review status: criteria provided, single submitter. Criteria: Ambry Variant Classification Scheme 2023. Collection method: clinical testing. Allele origin: germline.
Comment: The c.-1A>T variant is located in the 5' untranslated region (5&rsquo; UTR) of the ALPK3 gene. This variant results from an A to T substitution 1 nucleotide upstream from the first translated codon. This nucleotide position is not well conserved in available vertebrate species, and T is the reference nucleotide in other species. Since supporting evidence is limited at this time, the clinical significance of this alteration remains unclear.

NM_020778.4(ALPK3):c.-1A>T

Gene: ALPK3 (alpha kinase 3; plus strand). Cytogenetic location: 15q25.3.
Variant type: single nucleotide variant.
Coding change: c.-1A>T on transcript NM_020778.4; 1 bases upstream of the start codon, A replaced by T.
Genome position (GRCh38, 1-based): chr15:84,816,846, A>T. VCF-style: chr15-84816846-A-T. GRCh37 (hg19) VCF-style: chr15-85360077-A-T.
Identifiers: ClinVar variation 1784181 (VCV001784181.2), dbSNP rs1351551079, ClinGen allele CA619855153.